The following is an entry in ClinVar:

ClinVar aggregate classification (germline): Uncertain significance (1 of 4 stars; one submission).

Allele frequency attached by ClinVar (database versions not stated): gnomAD exomes below 0.00001 and 0.00002; ExAC 0.00001.
gnomAD v4.1: 3 of 1,175,169 alleles (0.00026%); highest among the groups gnomAD compares: Admixed American, 0.0065%; no homozygotes.

Submission:

Labcorp Genetics (formerly Invitae), Labcorp
Classification: Uncertain significance. Last evaluated: 2023-10-03. Review status: criteria provided, single submitter. Criteria: Invitae Variant Classification Sherloc (09022015). Collection method: clinical testing. Allele origin: germline.
Comment: This sequence change falls in intron 3 of the RS1 gene. It does not directly change the encoded amino acid sequence of the RS1 protein. It affects a nucleotide within the consensus splice site. This variant is present in population databases (rs779216366, gnomAD 0.01%). This variant has not been reported in the literature in individuals affected with RS1-related conditions. ClinVar contains an entry for this variant (Variation ID: 1476643). Variants that disrupt the consensus splice site are a relatively common cause of aberrant splicing (PMID: 17576681, 9536098). Algorithms developed to predict the effect of sequence changes on RNA splicing suggest that this variant is not likely to affect RNA splicing. In summary, the available evidence is currently insufficient to determine the role of this variant in disease. Therefore, it has been classified as a Variant of Uncertain Significance.

Literature cited by the submitters: PubMed 17576681; PubMed 9536098.

NM_000330.4(RS1):c.184+6T>C

Gene: RS1 (retinoschisin 1; minus strand). Cytogenetic location: Xp22.13.
Variant type: single nucleotide variant.
Coding change: c.184+6T>C on transcript NM_000330.4 (MANE Select); 6 bases into the intron after coding-DNA position 184, T replaced by C.
Molecular consequence: intron variant.
Genome position (GRCh38, 1-based): chrX:18,656,647, A>G on the plus strand (T>C on the coding strand, the complement: RS1 is on the minus strand). VCF-style: chrX-18656647-A-G. GRCh37 (hg19) VCF-style: chrX-18674767-A-G.
Identifiers: ClinVar variation 1476643 (VCV001476643.6), dbSNP rs779216366, ClinGen allele CA10360799.